The following is an entry in ClinVar:

ClinVar aggregate classification (germline): Pathogenic (1 of 4 stars; one submission).

Conditions:
X-linked myopathy with postural muscle atrophy. Also called: FHL1-Related Emery-Dreifuss Muscular Dystrophy, X-Linked. Identifiers: Orphanet 178461, MedGen C2678055, MONDO:0010401, OMIM 300696.

Submission:

Labcorp Genetics (formerly Invitae), Labcorp
Classification: Pathogenic for X-linked myopathy with postural muscle atrophy. Last evaluated: 2025-05-05. Review status: criteria provided, single submitter. Criteria: Invitae Variant Classification Sherloc (09022015). Collection method: clinical testing. Allele origin: germline.
Comment: This sequence change creates a premature translational stop signal (p.Arg95Profs*36) in the FHL1 gene. It is expected to result in an absent or disrupted protein product. Loss-of-function variants in FHL1 are known to be pathogenic (PMID: 18179888, 19687455, 19716112, 22523091, 24114807). This variant is not present in population databases (gnomAD no frequency). This variant has not been reported in the literature in individuals affected with FHL1-related conditions. ClinVar contains an entry for this variant (Variation ID: 3729169). For these reasons, this variant has been classified as Pathogenic.

Literature cited by the submitters: PubMed 18179888; PubMed 19687455; PubMed 19716112; PubMed 22523091; PubMed 24114807.

NM_001159699.2(FHL1):c.331dup (p.Arg111fs)

Gene: FHL1 (four and a half LIM domains 1; plus strand). Cytogenetic location: Xq26.3.
Variant type: Duplication.
Coding change: c.331dup on transcript NM_001159699.2 (MANE Select); coding-DNA position 331, one base duplicated (C; older notation c.331dupC).
Protein change: p.Arg111fs; shifts the reading frame from arginine 111.
Molecular consequence: frameshift variant. On other transcripts: non-coding transcript variant (1).
Genome position (GRCh38, 1-based): chrX:136,207,142, C duplicated. VCF-style (leftmost placement, unchanged base first): chrX-136207141-T-TC. GRCh37 (hg19) VCF-style: chrX-135289300-T-TC.
Other names: c.283dup, p.Arg95fs (NM_001159700.2, NM_001159702.3, NM_001159703.2 and 9 more transcripts); c.370dup, p.Arg124fs (NM_001159701.2); c.331dup, p.Arg111fs (NM_001330659.2); short protein forms R124fs, R111fs, R95fs.
Identifiers: ClinVar variation 3729169 (VCV003729169.2).